The following is an entry in ClinVar:

ClinVar aggregate classification (germline): Uncertain significance (1 of 4 stars; one submission).

Submission:

Ambry Genetics
Classification: Uncertain significance. Last evaluated: 2025-10-05. Review status: criteria provided, single submitter. Criteria: Ambry Variant Classification Scheme 2023. Collection method: clinical testing. Allele origin: germline.
Comment: The p.S625C variant (also known as c.1874C>G), located in coding exon 9 of the ATRIP gene, results from a C to G substitution at nucleotide position 1874. The serine at codon 625 is replaced by cysteine, an amino acid with dissimilar properties. This amino acid position is conserved. In addition, this alteration is predicted to be tolerated by in silico analysis. Based on the available evidence, the clinical significance of this variant remains unclear.

NM_130384.3(ATRIP):c.1874C>G (p.Ser625Cys)

Genes: ATRIP (ATR interacting protein; plus strand), ATRIP-TREX1 (ATRIP-TREX1 readthrough; plus strand). Cytogenetic location: 3p21.31.
Variant type: single nucleotide variant.
Coding change: c.1874C>G on transcript NM_130384.3 (MANE Select); coding-DNA position 1874, C replaced by G.
Protein change: p.Ser625Cys; replaces serine 625 with cysteine.
Molecular consequence: missense variant. On other transcripts: non-coding transcript variant (1).
Genome position (GRCh38, 1-based): chr3:48,463,873, C>G. VCF-style: chr3-48463873-C-G. GRCh37 (hg19) VCF-style: chr3-48505272-C-G.
Other names: c.1493C>G, p.Ser498Cys (NM_001271022.2); c.1595C>G, p.Ser532Cys (NM_001271023.2); c.1874C>G, p.Ser625Cys (NM_032166.4); short protein forms S532C, S625C, S498C.
Identifiers: ClinVar variation 4644527 (VCV004644527.1).
Genomic context (GRCh38, chr3:48,463,873, plus strand): 5'-TGGCTGTTGAGCTCCTCTCCCTGCTGGCGGACCACGACCAGCTGGCACCTCAGCTCTGTT[C>G]CCACTCAGGTAAAGCAGGGTGGGGCGGGCGTCTAGACTGCTCCTGCAGATCAAGGGAAGG-3'
Protein context (NP_569055.1, residues 615-635): DHDQLAPQLC[Ser625Cys]HSEGCLLLLL